The following is an entry in ClinVar:

ClinVar aggregate classification (germline): Likely benign (0 of 4 stars; one submission).

Conditions:
RIPOR2-related disorder. Also called: RIPOR2-related condition.

Allele frequency attached by ClinVar (database versions not stated): gnomAD exomes below 0.00001; ExAC 0.00001.
gnomAD v4.1: 1 of 1,613,956 alleles (0.000062%); highest among the groups gnomAD compares: Admixed American, 0.0017%; no homozygotes.

Submission:

PreventionGenetics, part of Exact Sciences
Classification: Likely benign for RIPOR2-related condition. Last evaluated: 2019-09-23. Review status: no assertion criteria provided. Collection method: clinical testing. Allele origin: germline.
Comment: This variant is classified as likely benign based on ACMG/AMP sequence variant interpretation guidelines (Richards et al. 2015 PMID: 25741868, with internal and published modifications).

NM_001286445.3(RIPOR2):c.999T>A (p.Leu333=)

Gene: RIPOR2 (RHO family interacting cell polarization regulator 2; minus strand). Cytogenetic location: 6p22.3.
Variant type: single nucleotide variant.
Coding change: c.999T>A on transcript NM_001286445.3 (MANE Select); coding-DNA position 999, T replaced by A.
Protein change: p.Leu333=; no amino-acid change (leucine 333 retained).
Molecular consequence: synonymous variant.
Genome position (GRCh38, 1-based): chr6:24,849,837, A>T on the plus strand (T>A on the coding strand, the complement: RIPOR2 is on the minus strand). VCF-style: chr6-24849837-A-T. GRCh37 (hg19) VCF-style: chr6-24850065-A-T.
Other names: c.1014T>A, p.Leu338= (NM_001286446.3); c.912T>A, p.Leu304= (NM_001286447.2, NM_001346031.2, NM_001346032.2 and 2 more transcripts).
Identifiers: ClinVar variation 3040100 (VCV003040100.2), dbSNP rs780322408, ClinGen allele CA3659368.